The following is an entry in ClinVar:

NM_004493.3(HSD17B10):c.175G>A (p.Val59Ile)

Gene: HSD17B10 (hydroxysteroid 17-beta dehydrogenase 10; minus strand). Cytogenetic location: Xp11.22.
Variant type: single nucleotide variant.
Coding change: c.175G>A on transcript NM_004493.3 (MANE Select); coding-DNA position 175, G replaced by A.
Protein change: p.Val59Ile; replaces valine 59 with isoleucine.
Molecular consequence: missense variant.
Genome position (GRCh38, 1-based): chrX:53,433,739, C>T on the plus strand (G>A on the coding strand, the complement: HSD17B10 is on the minus strand). VCF-style: chrX-53433739-C-T. GRCh37 (hg19) VCF-style: chrX-53460686-C-T.
Other names: c.175G>A, p.Val59Ile (NM_001037811.2); short protein forms V59I.
Identifiers: ClinVar variation 3706694 (VCV003706694.2).

ClinVar aggregate classification (germline): Uncertain significance (1 of 4 stars; one submission).

gnomAD v4.1: 1 of 1,207,276 alleles (0.000083%); no homozygotes.

Submission:

Labcorp Genetics (formerly Invitae), Labcorp
Classification: Uncertain significance. Last evaluated: 2025-06-04. Review status: criteria provided, single submitter. Criteria: Invitae Variant Classification Sherloc (09022015). Collection method: clinical testing. Allele origin: germline.
Comment: This sequence change replaces valine, which is neutral and non-polar, with isoleucine, which is neutral and non-polar, at codon 59 of the HSD17B10 protein (p.Val59Ile). The frequency data for this variant in the population databases is considered unreliable, as metrics indicate poor data quality at this position in the gnomAD database. This variant has not been reported in the literature in individuals affected with HSD17B10-related conditions. ClinVar contains an entry for this variant (Variation ID: 3706694). Invitae Evidence Modeling of protein sequence and biophysical properties (such as structural, functional, and spatial information, amino acid conservation, physicochemical variation, residue mobility, and thermodynamic stability) indicates that this missense variant is not expected to disrupt HSD17B10 protein function with a negative predictive value of 80%. In summary, the available evidence is currently insufficient to determine the role of this variant in disease. Therefore, it has been classified as a Variant of Uncertain Significance.